The following is an entry in ClinVar:

NM_000061.3(BTK):c.736G>C (p.Glu246Gln)

Gene: BTK (Bruton tyrosine kinase; minus strand). Cytogenetic location: Xq22.1.
Variant type: single nucleotide variant.
Coding change: c.736G>C on transcript NM_000061.3 (MANE Select); coding-DNA position 736, G replaced by C.
Protein change: p.Glu246Gln; replaces glutamic acid 246 with glutamine.
Molecular consequence: missense variant.
Genome position (GRCh38, 1-based): chrX:101,360,608, C>G on the plus strand (G>C on the coding strand, the complement: BTK is on the minus strand). VCF-style: chrX-101360608-C-G. GRCh37 (hg19) VCF-style: chrX-100615596-C-G.
Other names: c.838G>C, p.Glu280Gln (NM_001287344.2); c.736G>C, p.Glu246Gln (NM_001287345.2); short protein forms E246Q, E280Q.
Identifiers: ClinVar variation 573307 (VCV000573307.9), dbSNP rs1468544899, ClinGen allele CA413931669.

ClinVar aggregate classification (germline): Uncertain significance (1 of 4 stars; one submission).

Conditions:
X-linked agammaglobulinemia with growth hormone deficiency (IGHD3). Also called: HYPOGAMMAGLOBULINEMIA AND ISOLATED GROWTH HORMONE DEFICIENCY, X-LINKED; IGHD III; AGAMMAGLOBULINEMIA AND ISOLATED GROWTH HORMONE DEFICIENCY, X-LINKED; FLEISHER SYNDROME; Isolated growth hormone deficiency type 3; Growth hormone deficiency with hypogammaglobulinemia. Identifiers: Orphanet 231692, Orphanet 631, MedGen C0472813, MONDO:0010615, OMIM 307200.

Allele frequency attached by ClinVar (database versions not stated): TOPMed below 0.00001; gnomAD 0.00001; gnomAD exomes 0.00001.
gnomAD v4.1: 10 of 1,209,857 alleles (0.00083%); highest among the groups gnomAD compares: Non-Finnish European, 0.0011%; no homozygotes.

Submission:

Labcorp Genetics (formerly Invitae), Labcorp
Classification: Uncertain significance for X-linked agammaglobulinemia with growth hormone deficiency. Last evaluated: 2018-01-07. Review status: criteria provided, single submitter. Criteria: Invitae Variant Classification Sherloc (09022015). Collection method: clinical testing. Allele origin: germline.
Comment: In summary, the available evidence is currently insufficient to determine the role of this variant in disease. Therefore, it has been classified as a Variant of Uncertain Significance. Algorithms developed to predict the effect of missense changes on protein structure and function (SIFT, PolyPhen-2, Align-GVGD) all suggest that this variant is likely to be tolerated, but these predictions have not been confirmed by published functional studies and their clinical significance is uncertain. This variant has not been reported in the literature in individuals with BTK-related disease. This variant is not present in population databases (ExAC no frequency). This sequence change replaces glutamic acid with glutamine at codon 246 of the BTK protein (p.Glu246Gln). The glutamic acid residue is moderately conserved and there is a small physicochemical difference between glutamic acid and glutamine.